The following is an entry in ClinVar:

NM_032119.4(ADGRV1):c.3255T>C (p.Asp1085=)

Gene: ADGRV1 (adhesion G protein-coupled receptor V1; plus strand). Cytogenetic location: 5q14.3.
Variant type: single nucleotide variant.
Coding change: c.3255T>C on transcript NM_032119.4 (MANE Select); coding-DNA position 3255, T replaced by C.
Protein change: p.Asp1085=; no amino-acid change (aspartic acid 1085 retained).
Molecular consequence: synonymous variant. On other transcripts: non-coding transcript variant (1).
Genome position (GRCh38, 1-based): chr5:90,647,730, T>C. VCF-style: chr5-90647730-T-C. GRCh37 (hg19) VCF-style: chr5-89943547-T-C.
Identifiers: ClinVar variation 178357 (VCV000178357.50), dbSNP rs183447491, ClinGen allele CA182171.
Genomic context (GRCh38, chr5:90,647,730, plus strand): 5'-TGGAAGTAGACAGCAGAGCATATCCATATTTGTTAATGAAGATGGTATCCCGGAAACAGA[T>C]GAGCCCTTTTATATAATCCTCTTGAATTCAACAGGTAAGTAAATTATGCTTTTTTATGGC-3'
Protein context (NP_115495.3, residues 1075-1095): FVNEDGIPET[Asp1085=]EPFYIILLNS

ClinVar aggregate classification (germline): Benign/Likely benign. Review status: criteria provided, multiple submitters, no conflicts (2 of 4 stars). 11 submissions from 11 submitters: Benign (2); Likely benign (6). 3 of the submissions do not count toward it. Last evaluated 2026-03-01.

Conditions:
Usher syndrome type 2C. Also called: Usher syndrome, type 2B; USHER SYNDROME, TYPE IIC. Identifiers: Orphanet 231178, Orphanet 886, MedGen C2931213, MONDO:0011558, OMIM 605472.

Allele frequency attached by ClinVar (database versions not stated): 1000 Genomes Project 30x 0.00109; 1000 Genomes Project 0.00120; TOPMed 0.00125; gnomAD 0.00135 and 0.00137; gnomAD exomes 0.00142 and 0.00229; ESP Exome Variant Server 0.00152; ExAC 0.00159.
gnomAD v4.1: 3,560 of 1,613,758 alleles (0.22%); highest among the groups gnomAD compares: Non-Finnish European, 0.26%; 9 homozygotes.

Submissions (11):

CeGaT Center for Human Genetics Tuebingen
Classification: Likely benign. Last evaluated: 2026-03-01. Review status: criteria provided, single submitter. Criteria: CeGaT Center For Human Genetics Tuebingen Variant Classification Criteria Version 2. Collection method: clinical testing. Allele origin: germline. Affected: yes. Observed: 11 variant alleles.
Comment: ADGRV1: BP4, BP7

Labcorp Genetics (formerly Invitae), Labcorp
Classification: Likely benign. Last evaluated: 2026-01-26. Review status: criteria provided, single submitter. Criteria: Invitae Variant Classification Sherloc (09022015). Collection method: clinical testing. Allele origin: germline.

Illumina Laboratory Services, Illumina
Classification: Benign for Usher syndrome type 2C. Last evaluated: 2025-04-08. Review status: criteria provided, single submitter. Criteria: ICSLVariantClassificationCriteria RUGD 01 April 2020. Collection method: clinical testing. Allele origin: unknown.

Blueprint Genetics
Classification: Likely benign. Last evaluated: 2024-11-26. Review status: criteria provided, single submitter. Criteria: ACMG Guidelines, 2015. Collection method: clinical testing. Allele origin: germline.

GeneDx
Classification: Likely benign. Last evaluated: 2021-09-17. Review status: criteria provided, single submitter. Criteria: GeneDx Variant Classification Process June 2021. Collection method: clinical testing. Allele origin: germline. Affected: yes.

Athena Diagnostics
Classification: Benign. Last evaluated: 2019-11-21. Review status: criteria provided, single submitter. Criteria: Athena Diagnostics Criteria. Collection method: clinical testing. Allele origin: unknown.

Eurofins Ntd Llc (ga)
Classification: Likely benign. Last evaluated: 2016-05-11. Review status: criteria provided, single submitter. Criteria: EGL Classification Definitions 2015. Collection method: clinical testing. Allele origin: germline. Observed: 1 variant allele, 1 heterozygote.

Laboratory for Molecular Medicine, Mass General Brigham Personalized Medicine
Classification: Likely benign. Last evaluated: 2016-02-26. Review status: criteria provided, single submitter. Criteria: LMM Criteria. Collection method: clinical testing. Allele origin: germline. Observed: 4 variant alleles.
Comment: p.Asp1085Asp in Exon 17 of GPR98: This variant is not expected to have clinical significance because it does not alter an amino acid residue, is not located wit hin the splice consensus sequence, and has been identified in 0.2% (144/66728) o f European and in 0.2% (36/16502) of South Asian chromosomes by the Exome Aggreg ation Consortium (ExAC; dbSNP rs183447491)

Clinical Genetics DNA and cytogenetics Diagnostics Lab, Erasmus MC, Erasmus Medical Center
Classification: Likely benign. Review status: no assertion criteria provided. Collection method: clinical testing. Allele origin: germline. Affected: yes. Study: VKGL Data-share Consensus. Not counted in ClinVar's aggregate classification.

Clinical Genetics, Academic Medical Center
Classification: Benign. Review status: no assertion criteria provided. Collection method: clinical testing. Allele origin: germline. Affected: yes. Study: VKGL Data-share Consensus. Not counted in ClinVar's aggregate classification.

Genome Diagnostics Laboratory, University Medical Center Utrecht
Classification: Benign. Review status: no assertion criteria provided. Collection method: clinical testing. Allele origin: germline. Affected: yes. Study: VKGL Data-share Consensus. Not counted in ClinVar's aggregate classification.